The following is an entry in ClinVar:

NM_001379110.1(SLC9A6):c.982G>A (p.Gly328Ser)

Gene: SLC9A6 (solute carrier family 9 member A6; plus strand). Cytogenetic location: Xq26.3.
Variant type: single nucleotide variant.
Coding change: c.982G>A on transcript NM_001379110.1 (MANE Select); coding-DNA position 982, G replaced by A.
Protein change: p.Gly328Ser; replaces glycine 328 with serine.
Molecular consequence: missense variant.
Genome position (GRCh38, 1-based): chrX:136,013,045, G>A. VCF-style: chrX-136013045-G-A. GRCh37 (hg19) VCF-style: chrX-135095204-G-A.
Other names: c.1138G>A, p.Gly380Ser (NM_001042537.2); c.982G>A, p.Gly328Ser (NM_001177651.2); c.886G>A, p.Gly296Ser (NM_001330652.2); c.1042G>A, p.Gly348Ser (NM_006359.3); short protein forms G296S, G328S, G348S, G380S.
Identifiers: ClinVar variation 1005501 (VCV001005501.9), dbSNP rs1327086146, ClinGen allele CA414751853.

ClinVar aggregate classification (germline): Uncertain significance (1 of 4 stars; one submission).

Conditions:
Christianson syndrome (MRXSCH). Also called: SLC9A6-Related Syndromic Mental Retardation; X-linked mental retardation, syndromic, Christianson type; INTELLECTUAL DEVELOPMENTAL DISORDER, X-LINKED, SYNDROMIC, CHRISTIANSON TYPE. Identifiers: Orphanet 85278, MedGen C2678194, MONDO:0010278, OMIM 300243.

Allele frequency attached by ClinVar (database versions not stated): gnomAD exomes below 0.00001; TOPMed below 0.00001.
gnomAD v4.1: 1 of 1,178,161 alleles (0.000085%); highest among the groups gnomAD compares: Admixed American, 0.0022%; no homozygotes.

Submission:

Labcorp Genetics (formerly Invitae), Labcorp
Classification: Uncertain significance for Christianson syndrome. Last evaluated: 2022-03-19. Review status: criteria provided, single submitter. Criteria: Invitae Variant Classification Sherloc (09022015). Collection method: clinical testing. Allele origin: germline.
Comment: This variant has not been reported in the literature in individuals affected with SLC9A6-related conditions. In summary, the available evidence is currently insufficient to determine the role of this variant in disease. Therefore, it has been classified as a Variant of Uncertain Significance. Algorithms developed to predict the effect of missense changes on protein structure and function are either unavailable or do not agree on the potential impact of this missense change (SIFT: "Tolerated"; PolyPhen-2: "Probably Damaging"; Align-GVGD: "Class C0"). ClinVar contains an entry for this variant (Variation ID: 1005501). This variant is not present in population databases (gnomAD no frequency). This sequence change replaces glycine, which is neutral and non-polar, with serine, which is neutral and polar, at codon 348 of the SLC9A6 protein (p.Gly348Ser).